The following is an entry in ClinVar:

ClinVar aggregate classification (germline): Uncertain significance (1 of 4 stars; one submission).

Submission:

Labcorp Genetics (formerly Invitae), Labcorp
Classification: Uncertain significance. Last evaluated: 2024-07-15. Review status: criteria provided, single submitter. Criteria: Invitae Variant Classification Sherloc (09022015). Collection method: clinical testing. Allele origin: germline.
Comment: This sequence change replaces lysine, which is basic and polar, with arginine, which is basic and polar, at codon 57 of the NFIA protein (p.Lys57Arg). This variant is not present in population databases (gnomAD no frequency). This variant has not been reported in the literature in individuals affected with NFIA-related conditions. An algorithm developed to predict the effect of missense changes on protein structure and function (PolyPhen-2) suggests that this variant is likely to be disruptive. In summary, the available evidence is currently insufficient to determine the role of this variant in disease. Therefore, it has been classified as a Variant of Uncertain Significance.

NM_001134673.4(NFIA):c.170A>G (p.Lys57Arg)

Gene: NFIA (nuclear factor I A; plus strand). Cytogenetic location: 1p31.3.
Variant type: single nucleotide variant.
Coding change: c.170A>G on transcript NM_001134673.4 (MANE Select); coding-DNA position 170, A replaced by G.
Protein change: p.Lys57Arg; replaces lysine 57 with arginine.
Molecular consequence: missense variant.
Genome position (GRCh38, 1-based): chr1:61,088,291, A>G. VCF-style: chr1-61088291-A-G. GRCh37 (hg19) VCF-style: chr1-61553963-A-G.
Other names: c.146A>G, p.Lys49Arg (NM_001145511.2); c.305A>G, p.Lys102Arg (NM_001145512.2); c.170A>G, p.Lys57Arg (NM_005595.5); short protein forms K102R, K49R, K57R.
Identifiers: ClinVar variation 3687518 (VCV003687518.2).
Genomic context (GRCh38, chr1:61,088,291, plus strand): 5'-AACGAAAATACTTCAAAAAACATGAAAAGCGTATGTCAAAAGAAGAAGAGAGAGCCGTGA[A>G]GGATGAATTGCTAAGTGAAAAACCAGAGGTCAAGCAGAAGTGGGCATCTCGACTTCTGGC-3'
Protein context (NP_001128145.1, residues 47-67): RMSKEEERAV[Lys57Arg]DELLSEKPEV